The following is an entry in ClinVar:

ClinVar aggregate classification (germline): Uncertain significance (1 of 4 stars; one submission).

Conditions:
Hereditary cancer-predisposing syndrome. Also called: Hereditary neoplastic syndrome; Tumor predisposition; Neoplastic Syndromes, Hereditary; Hereditary Cancer Syndrome. Identifiers: Orphanet 140162, MedGen C0027672, MeSH D009386, MONDO:0015356.

Submission:

Sema4
Classification: Uncertain significance for Hereditary cancer-predisposing syndrome. Last evaluated: 2021-05-17. Review status: criteria provided, single submitter. Criteria: Sema4 Curation Guidelines. Collection method: curation. Allele origin: germline.
Comment: The BAP1 c.1235C>G (p.T412S) variant has not been reported in the literature to our knowledge. It was not observed in the large and broad cohorts of the Genome Aggregation Database (PMID: 32461654) and has not been reported in ClinVar. In silico tools suggest the impact of the variant on protein function is inconclusive, though these predictions have not been confirmed by functional studies. The evidence is insufficient to meet ACMG/AMP criteria for classifying the variant as benign or pathogenic. Thus, the clinical significance of this variant is currently uncertain.

NM_004656.4(BAP1):c.1235C>G (p.Thr412Ser)

Gene: BAP1 (BRCA1 associated deubiquitinase 1; minus strand). Cytogenetic location: 3p21.1.
Variant type: single nucleotide variant.
Coding change: c.1235C>G on transcript NM_004656.4 (MANE Select); coding-DNA position 1235, C replaced by G.
Protein change: p.Thr412Ser; replaces threonine 412 with serine.
Molecular consequence: missense variant.
Genome position (GRCh38, 1-based): chr3:52,404,468, G>C on the plus strand (C>G on the coding strand, the complement: BAP1 is on the minus strand). VCF-style: chr3-52404468-G-C. GRCh37 (hg19) VCF-style: chr3-52438484-G-C.
Other names: short protein forms T412S.
Identifiers: ClinVar variation 1692858 (VCV001692858.1), dbSNP rs760363108, ClinGen allele CA353102786.